The following is an entry in ClinVar:

NM_000094.4(COL7A1):c.476del (p.Ala159fs)

Gene: COL7A1 (collagen type VII alpha 1 chain; minus strand). Cytogenetic location: 3p21.31.
Variant type: Deletion.
Coding change: c.476del on transcript NM_000094.4 (MANE Select); coding-DNA position 476, one base deleted (C; older notation c.476delC).
Protein change: p.Ala159fs; shifts the reading frame from alanine 159.
Molecular consequence: frameshift variant.
Genome position (GRCh38, 1-based): chr3:48,593,400, G deleted on the plus strand (C on the coding strand, the reverse complement: COL7A1 is on the minus strand). VCF-style (leftmost placement, unchanged base first): chr3-48593399-AG-A. GRCh37 (hg19) VCF-style: chr3-48630832-AG-A.
Other names: short protein forms A159fs.
Identifiers: ClinVar variation 2840931 (VCV002840931.4), dbSNP rs2531347823, ClinGen allele CA2739278137.

ClinVar aggregate classification (germline): Pathogenic. Review status: criteria provided, multiple submitters, no conflicts (2 of 4 stars). 2 submissions from 2 submitters: Pathogenic (2). Last evaluated 2024-03-14.

Conditions:
Recessive dystrophic epidermolysis bullosa (RDEB). Also called: DYSTROPHIC EPIDERMOLYSIS BULLOSA, AUTOSOMAL RECESSIVE; EPIDERMOLYSIS BULLOSA DYSTROPHICA, HALLOPEAU-SIEMENS TYPE; Hallopeau-Siemens Disease; severe generalized recessive dystrophic epidermolysis bullosa; EPIDERMOLYSIS BULLOSA DYSTROPHICA, GENERALIZED SEVERE, AUTOSOMAL RECESSIVE; Epidermolysis Bullosa Distrophica Autosomal Recessive (RDEB). Identifiers: Orphanet 79408, Orphanet 79409, MedGen C0079474, MONDO:0009179, OMIM 226600.

Submissions (2):

Palindrome, Gene Kavoshgaran Aria
Classification: Pathogenic for Recessive dystrophic epidermolysis bullosa. Last evaluated: 2024-03-14. Review status: criteria provided, single submitter. Criteria: ACMG Guidelines, 2015. Collection method: clinical testing. Allele origin: germline. Inheritance: Autosomal recessive inheritance. Affected: yes. Observed: 1 homozygote.

Labcorp Genetics (formerly Invitae), Labcorp
Classification: Pathogenic. Last evaluated: 2023-02-26. Review status: criteria provided, single submitter. Criteria: Invitae Variant Classification Sherloc (09022015). Collection method: clinical testing. Allele origin: germline.
Comment: This sequence change creates a premature translational stop signal (p.Ala159Valfs*5) in the COL7A1 gene. It is expected to result in an absent or disrupted protein product. Loss-of-function variants in COL7A1 are known to be pathogenic (PMID: 16971478). This variant is not present in population databases (gnomAD no frequency). This variant has not been reported in the literature in individuals affected with COL7A1-related conditions. For these reasons, this variant has been classified as Pathogenic.

Literature cited by the submitters: PubMed 16971478 (cited by Labcorp Genetics (formerly Invitae), Labcorp).